The following is an entry in ClinVar:

ClinVar aggregate classification (germline): Uncertain significance (1 of 4 stars; one submission).

Conditions:
Charcot-Marie-Tooth disease type 4A. Also called: Charcot-Marie-Tooth disease, demyelinating, autosomal recessive, type 4a. Identifiers: Orphanet 99948, MedGen C1859198, MONDO:0008961, OMIM 214400.

Allele frequency attached by ClinVar (database versions not stated): ESP Exome Variant Server 0.00008; TOPMed below 0.00001; ExAC 0.00001.

Submission:

Labcorp Genetics (formerly Invitae), Labcorp
Classification: Uncertain significance for Charcot-Marie-Tooth disease type 4A. Last evaluated: 2023-09-08. Review status: criteria provided, single submitter. Criteria: Invitae Variant Classification Sherloc (09022015). Collection method: clinical testing. Allele origin: germline.
Comment: In summary, the available evidence is currently insufficient to determine the role of this variant in disease. Therefore, it has been classified as a Variant of Uncertain Significance. An algorithm developed to predict the effect of missense changes on protein structure and function (PolyPhen-2) suggests that this variant is likely to be disruptive. This variant has not been reported in the literature in individuals affected with GDAP1-related conditions. This variant is present in population databases (rs373277845, gnomAD 0.0009%). This sequence change replaces isoleucine, which is neutral and non-polar, with threonine, which is neutral and polar, at codon 164 of the GDAP1 protein (p.Ile164Thr).

NM_018972.4(GDAP1):c.491T>C (p.Ile164Thr)

Gene: GDAP1 (ganglioside induced differentiation associated protein 1; plus strand). Cytogenetic location: 8q21.11.
Variant type: single nucleotide variant.
Coding change: c.491T>C on transcript NM_018972.4 (MANE Select); coding-DNA position 491, T replaced by C.
Protein change: p.Ile164Thr; replaces isoleucine 164 with threonine.
Molecular consequence: missense variant.
Genome position (GRCh38, 1-based): chr8:74,361,890, T>C. VCF-style: chr8-74361890-T-C. GRCh37 (hg19) VCF-style: chr8-75274125-T-C.
Other names: c.287T>C, p.Ile96Thr (NM_001040875.4); c.164T>C, p.Ile55Thr (NM_001362929.2, NM_001362932.2); c.317T>C, p.Ile106Thr (NM_001362930.2); c.491T>C, p.Ile164Thr (NM_001362931.2); short protein forms I106T, I55T, I96T, I164T.
Identifiers: ClinVar variation 2728701 (VCV002728701.3), dbSNP rs373277845, ClinGen allele CA4785123.